The following is an entry in ClinVar:

NM_001283009.2(RTEL1):c.992C>G (p.Ala331Gly)

Genes: RTEL1 (regulator of telomere elongation helicase 1; plus strand), RTEL1-TNFRSF6B (RTEL1-TNFRSF6B readthrough (NMD candidate); plus strand). Cytogenetic location: 20q13.33.
Variant type: single nucleotide variant.
Coding change: c.992C>G on transcript NM_001283009.2 (MANE Select); coding-DNA position 992, C replaced by G.
Protein change: p.Ala331Gly; replaces alanine 331 with glycine.
Molecular consequence: missense variant. On other transcripts: non-coding transcript variant (1).
Genome position (GRCh38, 1-based): chr20:63,678,301, C>G. VCF-style: chr20-63678301-C-G. GRCh37 (hg19) VCF-style: chr20-62309654-C-G.
Other names: c.323C>G, p.Ala108Gly (NM_001283010.1); c.992C>G, p.Ala331Gly (NM_016434.4); c.1064C>G, p.Ala355Gly (NM_032957.5); short protein forms A108G, A331G, A355G.
Identifiers: ClinVar variation 4157563 (VCV004157563.1).
Genomic context (GRCh38, chr20:63,678,301, plus strand): 5'-GGTGGGTGACACCTCCTCGACCCACAGTGATCCTGCTGCGCCTGGAGGGGGCCATCGATG[C>G]TGTTGAGCTGCCTGGAGACGACAGCGGTGTCACCAAGCCAGGGAGGTGAGAGGCGGGGAG-3'
Protein context (NP_001269938.1, residues 321-341): ILLRLEGAID[Ala331Gly]VELPGDDSGV

ClinVar aggregate classification (germline): Uncertain significance (1 of 4 stars; one submission).

Conditions:
Inborn genetic diseases. Identifiers: MedGen C0950123, MeSH D030342.

gnomAD v4.1: 6 of 1,612,886 alleles (0.00037%); highest among the groups gnomAD compares: Non-Finnish European, 0.00051%; no homozygotes.

Submission:

Ambry Genetics
Classification: Uncertain significance for Inborn genetic diseases. Last evaluated: 2025-06-19. Review status: criteria provided, single submitter. Criteria: Ambry Variant Classification Scheme 2023. Collection method: clinical testing. Allele origin: germline.
Comment: The p.A331G variant (also known as c.992C>G), located in coding exon 11 of the RTEL1 gene, results from a C to G substitution at nucleotide position 992. The alanine at codon 331 is replaced by glycine, an amino acid with similar properties. This amino acid position is conserved. In addition, the in silico prediction for this alteration is inconclusive. Based on the available evidence, the clinical significance of this variant remains unclear.